The following is an entry in ClinVar:

ClinVar aggregate classification (germline): Uncertain significance (1 of 4 stars; one submission).

Conditions:
Developmental and epileptic encephalopathy, 23 (DEE23). Also called: Epileptic encephalopathy, early infantile, 23. Identifiers: Orphanet 411986, MedGen C4014492, MONDO:0014371, OMIM 615859.

Allele frequency attached by ClinVar (database versions not stated): gnomAD exomes below 0.00001; ExAC 0.00001.
gnomAD v4.1: 2 of 1,612,132 alleles (0.00012%); highest among the groups gnomAD compares: Non-Finnish European, 0.00017%; no homozygotes.

Submission:

Labcorp Genetics (formerly Invitae), Labcorp
Classification: Uncertain significance for Developmental and epileptic encephalopathy, 23. Last evaluated: 2021-05-03. Review status: criteria provided, single submitter. Criteria: Invitae Variant Classification Sherloc (09022015). Collection method: clinical testing. Allele origin: germline.
Comment: This variant has not been reported in the literature in individuals with DOCK7-related conditions. In summary, the available evidence is currently insufficient to determine the role of this variant in disease. Therefore, it has been classified as a Variant of Uncertain Significance. Algorithms developed to predict the effect of missense changes on protein structure and function are either unavailable or do not agree on the potential impact of this missense change (SIFT: "Deleterious"; PolyPhen-2: "Benign"; Align-GVGD: "Class C0"). This variant is present in population databases (rs746642737, ExAC 0.01%). This sequence change replaces glycine with arginine at codon 25 of the DOCK7 protein (p.Gly25Arg). The glycine residue is moderately conserved and there is a moderate physicochemical difference between glycine and arginine.

NM_001367561.1(DOCK7):c.73G>A (p.Gly25Arg)

Gene: DOCK7 (dedicator of cytokinesis 7; minus strand). Cytogenetic location: 1p31.3.
Variant type: single nucleotide variant.
Coding change: c.73G>A on transcript NM_001367561.1 (MANE Select); coding-DNA position 73, G replaced by A.
Protein change: p.Gly25Arg; replaces glycine 25 with arginine.
Molecular consequence: missense variant.
Genome position (GRCh38, 1-based): chr1:62,663,096, C>T on the plus strand (G>A on the coding strand, the complement: DOCK7 is on the minus strand). VCF-style: chr1-62663096-C-T. GRCh37 (hg19) VCF-style: chr1-63128767-C-T.
Other names: c.73G>A, p.Gly25Arg (NM_001271999.2, NM_001272000.2, NM_001272001.2 and 3 more transcripts); short protein forms G25R.
Identifiers: ClinVar variation 1515114 (VCV001515114.8), dbSNP rs746642737, ClinGen allele CA887288.